The following is an entry in ClinVar:

ClinVar aggregate classification (germline): Conflicting classifications of pathogenicity. Review status: criteria provided, conflicting classifications (1 of 4 stars). 2 submissions from 2 submitters: Uncertain significance (1); Likely benign (1). Last evaluated 2024-11-21.

Allele frequency attached by ClinVar (database versions not stated): gnomAD exomes 0.00004; ExAC 0.00005; gnomAD 0.00005; TOPMed 0.00005.
gnomAD v4.1: 68 of 1,614,126 alleles (0.0042%); highest among the groups gnomAD compares: Middle Eastern, 0.049%; no homozygotes.

Submissions (2):

Blueprint Genetics
Classification: Likely benign. Last evaluated: 2024-11-21. Review status: criteria provided, single submitter. Criteria: ACMG Guidelines, 2015. Collection method: clinical testing. Allele origin: germline.

Labcorp Genetics (formerly Invitae), Labcorp
Classification: Uncertain significance. Last evaluated: 2022-07-13. Review status: criteria provided, single submitter. Criteria: Invitae Variant Classification Sherloc (09022015). Collection method: clinical testing. Allele origin: germline.
Comment: This sequence change replaces isoleucine, which is neutral and non-polar, with valine, which is neutral and non-polar, at codon 3398 of the MACF1 protein (p.Ile3398Val). This variant is present in population databases (rs764582636, gnomAD 0.01%). This variant has not been reported in the literature in individuals affected with MACF1-related conditions. Algorithms developed to predict the effect of missense changes on protein structure and function output the following: SIFT: "Tolerated"; PolyPhen-2: "Benign"; Align-GVGD: "Class C0". The valine amino acid residue is found in multiple mammalian species, which suggests that this missense change does not adversely affect protein function. In summary, the available evidence is currently insufficient to determine the role of this variant in disease. Therefore, it has been classified as a Variant of Uncertain Significance.

NM_001394062.1(MACF1):c.16378A>G (p.Ile5460Val)

Gene: MACF1 (microtubule actin crosslinking factor 1; plus strand). Cytogenetic location: 1p34.3.
Variant type: single nucleotide variant.
Coding change: c.16378A>G on transcript NM_001394062.1 (MANE Select); coding-DNA position 16378, A replaced by G.
Protein change: p.Ile5460Val; replaces isoleucine 5460 with valine.
Molecular consequence: missense variant.
Genome position (GRCh38, 1-based): chr1:39,427,516, A>G. VCF-style: chr1-39427516-A-G. GRCh37 (hg19) VCF-style: chr1-39893188-A-G.
Other names: c.4774A>G, p.Ile1592Val (NM_001397473.1); c.10192A>G, p.Ile3398Val (NM_012090.5); short protein forms I1592V, I3398V, I5460V.
Identifiers: ClinVar variation 2069886 (VCV002069886.5), dbSNP rs764582636, ClinGen allele CA783344.